The following is an entry in ClinVar:

NM_000027.4(AGA):c.1030G>C (p.Asp344His)

Gene: AGA (aspartylglucosaminidase; minus strand). Cytogenetic location: 4q34.3.
Variant type: single nucleotide variant.
Coding change: c.1030G>C on transcript NM_000027.4 (MANE Select); coding-DNA position 1030, G replaced by C.
Protein change: p.Asp344His; replaces aspartic acid 344 with histidine.
Molecular consequence: missense variant. On other transcripts: non-coding transcript variant (1).
Genome position (GRCh38, 1-based): chr4:177,431,719, C>G on the plus strand (G>C on the coding strand, the complement: AGA is on the minus strand). VCF-style: chr4-177431719-C-G. GRCh37 (hg19) VCF-style: chr4-178352873-C-G.
Other names: c.1000G>C, p.Asp334His (NM_001171988.2); short protein forms D344H, D334H.
Identifiers: ClinVar variation 579942 (VCV000579942.10), dbSNP rs776865078, ClinGen allele CA3146717.

ClinVar aggregate classification (germline): Uncertain significance. Review status: criteria provided, single submitter (1 of 4 stars). 2 submissions from 2 submitters: Uncertain significance (1). 1 of the submissions does not count toward it. Last evaluated 2021-08-28.

Conditions:
Aspartylglucosaminuria (AGU). Also called: Aspartylglucos-aminuria; Aspartylglucos-amidase (AGA) deficiency; GLYCOASPARAGINASE; GLYCOSYLASPARAGINASE DEFICIENCY; AGA DEFICIENCY. Identifiers: Orphanet 93, MedGen C0268225, MONDO:0008830, OMIM 208400, HP:0012068.

Allele frequency attached by ClinVar (database versions not stated): TOPMed below 0.00001; gnomAD 0.00001; ExAC 0.00002; gnomAD exomes 0.00002.

Submissions (2):

Labcorp Genetics (formerly Invitae), Labcorp
Classification: Uncertain significance for Aspartylglucosaminuria. Last evaluated: 2021-08-28. Review status: criteria provided, single submitter. Criteria: Invitae Variant Classification Sherloc (09022015). Collection method: clinical testing. Allele origin: germline.
Comment: This sequence change replaces aspartic acid with histidine at codon 344 of the AGA protein (p.Asp344His). The aspartic acid residue is moderately conserved and there is a moderate physicochemical difference between aspartic acid and histidine. This variant is present in population databases (rs776865078, ExAC 0.003%). This variant has not been reported in the literature in individuals affected with AGA-related conditions. Algorithms developed to predict the effect of missense changes on protein structure and function are either unavailable or do not agree on the potential impact of this missense change (SIFT: "Deleterious"; PolyPhen-2: "Benign"; Align-GVGD: "Class C0"). In summary, the available evidence is currently insufficient to determine the role of this variant in disease. Therefore, it has been classified as a Variant of Uncertain Significance.

Natera, Inc.
Classification: Uncertain significance for Aspartylglucosaminuria. Last evaluated: 2019-10-28. Review status: no assertion criteria provided. Collection method: clinical testing. Allele origin: germline. Not counted in ClinVar's aggregate classification.